The following is an entry in ClinVar:

NM_018180.3(DHX32):c.2192A>T (p.Glu731Val)

Genes: BCCIP (BRCA2 and CDKN1A interacting protein; plus strand), DHX32 (DEAH-box helicase 32 (putative); minus strand). Cytogenetic location: 10q26.2.
Variant type: single nucleotide variant.
Coding change: c.2192A>T on transcript NM_018180.3 (MANE Select); coding-DNA position 2192, A replaced by T.
Protein change: p.Glu731Val; replaces glutamic acid 731 with valine.
Molecular consequence: missense variant. On other transcripts: intron variant (2).
Genome position (GRCh38, 1-based): chr10:125,836,727, T>A on the plus strand (A>T on the coding strand, the complement: DHX32 is on the minus strand). VCF-style: chr10-125836727-T-A. GRCh37 (hg19) VCF-style: chr10-127525296-T-A.
Other names: c.774+2781T>A (NM_016567.4, NM_078469.3); short protein forms E731V.
Identifiers: ClinVar variation 2004773 (VCV002004773.5), dbSNP rs1305856161, ClinGen allele CA378671071.

ClinVar aggregate classification (germline): Uncertain significance. Review status: criteria provided, multiple submitters, no conflicts (2 of 4 stars). 2 submissions from 2 submitters: Uncertain significance (2). Last evaluated 2025-02-27.

Submissions (2):

Ambry Genetics
Classification: Uncertain significance. Last evaluated: 2025-02-27. Review status: criteria provided, single submitter. Criteria: Ambry Variant Classification Scheme 2023. Collection method: clinical testing. Allele origin: germline.

Labcorp Genetics (formerly Invitae), Labcorp
Classification: Uncertain significance. Last evaluated: 2022-06-11. Review status: criteria provided, single submitter. Criteria: Invitae Variant Classification Sherloc (09022015). Collection method: clinical testing. Allele origin: germline.
Comment: In summary, the available evidence is currently insufficient to determine the role of this variant in disease. Therefore, it has been classified as a Variant of Uncertain Significance. Algorithms developed to predict the effect of missense changes on protein structure and function are either unavailable or do not agree on the potential impact of this missense change (SIFT: "Deleterious"; PolyPhen-2: "Benign"; Align-GVGD: "Class C0"). This variant has not been reported in the literature in individuals affected with DHX32-related conditions. This variant is not present in population databases (gnomAD no frequency). This sequence change replaces glutamic acid, which is acidic and polar, with valine, which is neutral and non-polar, at codon 731 of the DHX32 protein (p.Glu731Val).